The following is an entry in ClinVar:

NM_172107.4(KCNQ2):c.473G>A (p.Arg158Lys)

Gene: KCNQ2 (potassium voltage-gated channel subfamily Q member 2; minus strand). Cytogenetic location: 20q13.33.
Variant type: single nucleotide variant.
Coding change: c.473G>A on transcript NM_172107.4 (MANE Select); coding-DNA position 473, G replaced by A.
Protein change: p.Arg158Lys; replaces arginine 158 with lysine.
Molecular consequence: missense variant.
Genome position (GRCh38, 1-based): chr20:63,445,279, C>T on the plus strand (G>A on the coding strand, the complement: KCNQ2 is on the minus strand). VCF-style: chr20-63445279-C-T. GRCh37 (hg19) VCF-style: chr20-62076632-C-T.
Other names: c.473G>A, p.Arg158Lys (NM_001382235.1, NM_004518.6, NM_172106.3 and 2 more transcripts); short protein forms R158K.
Identifiers: ClinVar variation 1053573 (VCV001053573.10), dbSNP rs2145779118, ClinGen allele CA409655230.

ClinVar aggregate classification (germline): Uncertain significance (1 of 4 stars; one submission).

Conditions:
Early-infantile DEE. Also called: Ohtahara syndrome; Early infantile epileptic encephalopathy with suppression bursts; Early infantile epileptic encephalopathy. Identifiers: Orphanet 1934, MedGen C0393706, MONDO:0800491.

Allele frequency attached by ClinVar (database versions not stated): gnomAD exomes below 0.00001.
gnomAD v4.1: 1 of 1,613,898 alleles (0.000062%); highest among the groups gnomAD compares: Non-Finnish European, 0.000085%; no homozygotes.

Submission:

Labcorp Genetics (formerly Invitae), Labcorp
Classification: Uncertain significance for Early-infantile DEE. Last evaluated: 2022-02-05. Review status: criteria provided, single submitter. Criteria: Invitae Variant Classification Sherloc (09022015). Collection method: clinical testing. Allele origin: germline.
Comment: In summary, the available evidence is currently insufficient to determine the role of this variant in disease. Therefore, it has been classified as a Variant of Uncertain Significance. Advanced modeling of protein sequence and biophysical properties (such as structural, functional, and spatial information, amino acid conservation, physicochemical variation, residue mobility, and thermodynamic stability) performed at Invitae indicates that this missense variant is expected to disrupt KCNQ2 protein function. ClinVar contains an entry for this variant (Variation ID: 1053573). This variant has not been reported in the literature in individuals affected with KCNQ2-related conditions. This variant is not present in population databases (gnomAD no frequency). This sequence change replaces arginine, which is basic and polar, with lysine, which is basic and polar, at codon 158 of the KCNQ2 protein (p.Arg158Lys).